The following is an entry in ClinVar:

NM_020631.6(PLEKHG5):c.984+3G>A

Gene: PLEKHG5 (pleckstrin homology and RhoGEF domain containing G5; minus strand). Cytogenetic location: 1p36.31.
Variant type: single nucleotide variant.
Coding change: c.984+3G>A on transcript NM_020631.6 (MANE Select); 3 bases into the intron after coding-DNA position 984, G replaced by A.
Molecular consequence: intron variant.
Genome position (GRCh38, 1-based): chr1:6,472,983, C>T on the plus strand (G>A on the coding strand, the complement: PLEKHG5 is on the minus strand). VCF-style: chr1-6472983-C-T. GRCh37 (hg19) VCF-style: chr1-6533043-C-T.
Other names: c.984+3G>A (NM_198681.4, NM_001265594.3, NM_001042664.2 and 1 more transcripts); c.1095+3G>A (NM_001042663.3, NM_001265592.2); c.1191+3G>A (NM_001265593.2).
Identifiers: ClinVar variation 1047022 (VCV001047022.2), dbSNP rs1282919159, ClinGen allele CA521018840.

ClinVar aggregate classification (germline): Uncertain significance (1 of 4 stars; one submission).

Conditions:
Neuronopathy, distal hereditary motor, autosomal recessive 4. Also called: NEUROPATHY, DISTAL HEREDITARY MOTOR, AUTOSOMAL RECESSIVE 4; Autosomal recessive lower motor neuron disease with childhood onset. Identifiers: Orphanet 206580, MedGen C1970211, MONDO:0012608, OMIM 611067.
Charcot-Marie-Tooth disease recessive intermediate C. Also called: CHARCOT-MARIE-TOOTH NEUROPATHY, RECESSIVE INTERMEDIATE C. Identifiers: Orphanet 369867, MedGen C3809309, MONDO:0014154, OMIM 615376.

Allele frequency attached by ClinVar (database versions not stated): gnomAD exomes below 0.00001.
gnomAD v4.1: 2 of 1,613,638 alleles (0.00012%); highest among the groups gnomAD compares: Non-Finnish European, 0.00017%; no homozygotes.

Submission:

Labcorp Genetics (formerly Invitae), Labcorp
Classification: Uncertain significance for Neuronopathy, distal hereditary motor, autosomal recessive 4; Charcot-Marie-Tooth disease recessive intermediate C. Last evaluated: 2020-10-07. Review status: criteria provided, single submitter. Criteria: Invitae Variant Classification Sherloc (09022015). Collection method: clinical testing. Allele origin: germline.
Comment: This sequence change falls in intron 9 of the PLEKHG5 gene. It does not directly change the encoded amino acid sequence of the PLEKHG5 protein, but it affects a nucleotide within the consensus splice site of the intron. This variant is not present in population databases (ExAC no frequency). This variant has not been reported in the literature in individuals with PLEKHG5-related conditions. Nucleotide substitutions within the consensus splice site are a relatively common cause of aberrant splicing (PMID: 17576681, 9536098). Algorithms developed to predict the effect of sequence changes on RNA splicing suggest that this variant is not likely to affect RNA splicing, but this prediction has not been confirmed by published transcriptional studies. In summary, the available evidence is currently insufficient to determine the role of this variant in disease. Therefore, it has been classified as a Variant of Uncertain Significance.

Literature cited by the submitters: PubMed 17576681; PubMed 9536098.